The following is an entry in ClinVar:

NM_020163.3(SEMA3G):c.551-3del

Gene: SEMA3G (semaphorin 3G; minus strand). Cytogenetic location: 3p21.1.
Variant type: Deletion.
Coding change: c.551-3del on transcript NM_020163.3 (MANE Select); 3 bases into the intron before coding-DNA position 551, one base deleted (C; older notation c.551-3delC).
Molecular consequence: intron variant.
Genome position (GRCh38, 1-based): chr3:52,441,693, G deleted on the plus strand (C on the coding strand, the reverse complement: SEMA3G is on the minus strand); the first of 4 consecutive G bases (chr3:52,441,693-52,441,696); deleting any one gives the same sequence. VCF-style (leftmost placement, unchanged base first): chr3-52441692-TG-T. GRCh37 (hg19) VCF-style: chr3-52475708-TG-T.
Identifiers: ClinVar variation 3031076 (VCV003031076.2), dbSNP rs774218188, ClinGen allele CA2438290.

ClinVar aggregate classification (germline): Likely benign (0 of 4 stars; one submission).

Conditions:
SEMA3G-related disorder. Also called: SEMA3G-related condition.

Submission:

PreventionGenetics, part of Exact Sciences
Classification: Likely benign for SEMA3G-related condition. Last evaluated: 2022-11-23. Review status: no assertion criteria provided. Collection method: clinical testing. Allele origin: germline.
Comment: This variant is classified as likely benign based on ACMG/AMP sequence variant interpretation guidelines (Richards et al. 2015 PMID: 25741868, with internal and published modifications).